The following is an entry in ClinVar:

NM_153603.4(COG7):c.1577A>G (p.Lys526Arg)

Gene: COG7 (component of oligomeric golgi complex 7; minus strand). Cytogenetic location: 16p12.2.
Variant type: single nucleotide variant.
Coding change: c.1577A>G on transcript NM_153603.4 (MANE Select); coding-DNA position 1577, A replaced by G.
Protein change: p.Lys526Arg; replaces lysine 526 with arginine.
Molecular consequence: missense variant.
Genome position (GRCh38, 1-based): chr16:23,406,161, T>C on the plus strand (A>G on the coding strand, the complement: COG7 is on the minus strand). VCF-style: chr16-23406161-T-C. GRCh37 (hg19) VCF-style: chr16-23417482-T-C.
Other names: c.1577A>G (NM_153603.3); short protein forms K526R.
Identifiers: ClinVar variation 1448272 (VCV001448272.8), dbSNP rs376579040, ClinGen allele CA7960930.

ClinVar aggregate classification (germline): Uncertain significance. Review status: criteria provided, multiple submitters, no conflicts (2 of 4 stars). 3 submissions from 3 submitters: Uncertain significance (3). Last evaluated 2025-12-17.

Conditions:
COG7 congenital disorder of glycosylation (CDG2E). Also called: CONGENITAL DISORDER OF GLYCOSYLATION, TYPE IIe; CDG IIe. Identifiers: Orphanet 79333, MedGen C2931010, MONDO:0012118, OMIM 608779.
Inborn genetic diseases. Identifiers: MedGen C0950123, MeSH D030342.

Allele frequency attached by ClinVar (database versions not stated): ExAC 0.00002; gnomAD exomes 0.00002; TOPMed 0.00002; gnomAD 0.00003 and 0.00004; ESP Exome Variant Server 0.00008.
gnomAD v4.1: 17 of 1,613,924 alleles (0.0011%); highest among the groups gnomAD compares: African/African-American, 0.0027%; no homozygotes.

Submissions (3):

Labcorp Genetics (formerly Invitae), Labcorp
Classification: Uncertain significance for COG7 congenital disorder of glycosylation. Last evaluated: 2025-12-17. Review status: criteria provided, single submitter. Criteria: Invitae Variant Classification Sherloc (09022015). Collection method: clinical testing. Allele origin: germline.
Comment: This sequence change replaces lysine, which is basic and polar, with arginine, which is basic and polar, at codon 526 of the COG7 protein (p.Lys526Arg). This variant is present in population databases (rs376579040, gnomAD 0.004%). This variant has not been reported in the literature in individuals affected with COG7-related conditions. ClinVar contains an entry for this variant (Variation ID: 1448272). Invitae Evidence Modeling of protein sequence and biophysical properties (such as structural, functional, and spatial information, amino acid conservation, physicochemical variation, residue mobility, and thermodynamic stability) indicates that this missense variant is not expected to disrupt COG7 protein function with a negative predictive value of 80%. In summary, the available evidence is currently insufficient to determine the role of this variant in disease. Therefore, it has been classified as a Variant of Uncertain Significance.

Ambry Genetics
Classification: Uncertain significance for Inborn genetic diseases. Last evaluated: 2025-08-09. Review status: criteria provided, single submitter. Criteria: Ambry Variant Classification Scheme 2023. Collection method: clinical testing. Allele origin: germline.

GeneDx
Classification: Uncertain significance. Last evaluated: 2024-04-22. Review status: criteria provided, single submitter. Criteria: GeneDx Variant Classification Process June 2021. Collection method: clinical testing. Allele origin: germline. Affected: yes.
Comment: Not observed at significant frequency in large population cohorts (gnomAD); In silico analysis indicates that this missense variant does not alter protein structure/function; Has not been previously published as pathogenic or benign to our knowledge